The following is an entry in ClinVar:

ClinVar aggregate classification (germline): Conflicting classifications of pathogenicity. Review status: criteria provided, conflicting classifications (1 of 4 stars). 4 submissions from 4 submitters: Uncertain significance (3); Likely benign (1). Last evaluated 2025-03-27.

Conditions:
Myofibrillar myopathy 5. Also called: Filaminopathy (type); FILAMINOPATHY, AUTOSOMAL DOMINANT. Identifiers: Orphanet 171445, MedGen C1836050, MONDO:0012289, OMIM 609524.
Hypertrophic cardiomyopathy 26. Also called: Cardiomyopathy, familial hypertrophic, 26. Identifiers: Orphanet 75249, MedGen C4310749, MONDO:0014883, OMIM 617047.
Distal myopathy with posterior leg and anterior hand involvement. Also called: WILLIAMS DISTAL MYOPATHY. Identifiers: Orphanet 63273, MedGen C3279722, MONDO:0013550, OMIM 614065.
Cardiovascular phenotype. Identifiers: MedGen CN230736.

Allele frequency attached by ClinVar (database versions not stated): 1000 Genomes Project 30x 0.00031; ESP Exome Variant Server 0.00114; ExAC 0.00343.

Submissions (4):

Labcorp Genetics (formerly Invitae), Labcorp
Classification: Uncertain significance for Distal myopathy with posterior leg and anterior hand involvement; Myofibrillar myopathy 5; Hypertrophic cardiomyopathy 26. Last evaluated: 2025-03-27. Review status: criteria provided, single submitter. Criteria: Invitae Variant Classification Sherloc (09022015). Collection method: clinical testing. Allele origin: germline.
Comment: This sequence change replaces serine, which is neutral and polar, with threonine, which is neutral and polar, at codon 2546 of the FLNC protein (p.Ser2546Thr). The frequency data for this variant in the population databases is considered unreliable, as metrics indicate poor data quality at this position in the gnomAD database. This variant has not been reported in the literature in individuals affected with FLNC-related conditions. ClinVar contains an entry for this variant (Variation ID: 577269). Invitae Evidence Modeling of protein sequence and biophysical properties (such as structural, functional, and spatial information, amino acid conservation, physicochemical variation, residue mobility, and thermodynamic stability) indicates that this missense variant is not expected to disrupt FLNC protein function with a negative predictive value of 80%. In summary, the available evidence is currently insufficient to determine the role of this variant in disease. Therefore, it has been classified as a Variant of Uncertain Significance.

Blueprint Genetics
Classification: Likely benign. Last evaluated: 2024-11-27. Review status: criteria provided, single submitter. Criteria: ACMG Guidelines, 2015. Collection method: clinical testing. Allele origin: germline.

Ambry Genetics
Classification: Uncertain significance for Cardiovascular phenotype. Last evaluated: 2020-08-14. Review status: criteria provided, single submitter. Criteria: Ambry Variant Classification Scheme 2023. Collection method: clinical testing. Allele origin: germline.
Comment: The p.S2546T variant (also known as c.7636T>A), located in coding exon 46 of the FLNC gene, results from a T to A substitution at nucleotide position 7636. The serine at codon 2546 is replaced by threonine, an amino acid with similar properties. This amino acid position is highly conserved in available vertebrate species. In addition, the in silico prediction for this alteration is inconclusive. Since supporting evidence is limited at this time, the clinical significance of this alteration remains unclear.

Breakthrough Genomics
Classification: Uncertain significance. Review status: criteria provided, single submitter. Criteria: ACMG Guidelines, 2015. Collection method: not provided. Allele origin: germline. Inheritance: Autosomal recessive inheritance. Affected: yes.

NM_001458.5(FLNC):c.7636T>A (p.Ser2546Thr)

Genes: FLNC (filamin C; plus strand), FLNC-AS1 (FLNC antisense RNA 1; minus strand). Cytogenetic location: 7q32.1.
Variant type: single nucleotide variant.
Coding change: c.7636T>A on transcript NM_001458.5 (MANE Select); coding-DNA position 7636, T replaced by A.
Protein change: p.Ser2546Thr; replaces serine 2546 with threonine.
Molecular consequence: missense variant.
Genome position (GRCh38, 1-based): chr7:128,857,192, T>A. VCF-style: chr7-128857192-T-A. GRCh37 (hg19) VCF-style: chr7-128497246-T-A.
Other names: c.7537T>A, p.Ser2513Thr (NM_001127487.2); short protein forms S2546T, S2513T.
Identifiers: ClinVar variation 577269 (VCV000577269.10), dbSNP rs200673841, ClinGen allele CA4476331.